The following is an entry in ClinVar:

NM_000478.6(ALPL):c.1010A>G (p.Asp337Gly)

Gene: ALPL (alkaline phosphatase, biomineralization associated; plus strand). Cytogenetic location: 1p36.12.
Variant type: single nucleotide variant.
Coding change: c.1010A>G on transcript NM_000478.6 (MANE Select); coding-DNA position 1010, A replaced by G.
Protein change: p.Asp337Gly; replaces aspartic acid 337 with glycine.
Molecular consequence: missense variant.
Genome position (GRCh38, 1-based): chr1:21,575,745, A>G. VCF-style: chr1-21575745-A-G. GRCh37 (hg19) VCF-style: chr1-21902238-A-G.
Other names: c.845A>G, p.Asp282Gly (NM_001127501.4); c.779A>G, p.Asp260Gly (NM_001177520.3); c.1010A>G, p.Asp337Gly (NM_001369803.2, NM_001369804.2, NM_001369805.2); short protein forms D337G, D260G, D282G.
Identifiers: ClinVar variation 553154 (VCV000553154.20), dbSNP rs1219494274, ClinGen allele CA338880974.

ClinVar aggregate classification (germline): Pathogenic/Likely pathogenic. Review status: criteria provided, multiple submitters, no conflicts (2 of 4 stars). 11 submissions from 11 submitters: Pathogenic (2); Likely pathogenic (8). 1 of the submissions does not count toward it. Last evaluated 2026-06-17.

Conditions:
Childhood hypophosphatasia. Identifiers: Orphanet 247667, Orphanet 436, MedGen C0220743, MONDO:1010168, OMIM 241510, MONDO:0009428.
Infantile hypophosphatasia. Identifiers: Orphanet 247651, Orphanet 436, MedGen C0268412, MONDO:1010169, OMIM 241500, MONDO:0009427.
Adult hypophosphatasia. Identifiers: Orphanet 247676, Orphanet 436, MedGen C0268413, MONDO:1010154, OMIM 146300, MONDO:0007798.
ALPL-related disorder. Also called: ALPL-related disorders; ALPL-related condition.
Hypophosphatasia. Also called: Phosphoethanol-aminuria. Identifiers: Orphanet 436, MedGen C0020630, MeSH D007014, MONDO:0018570.

Allele frequency attached by ClinVar (database versions not stated): gnomAD exomes below 0.00001; TOPMed 0.00001.

Submissions (11):

Myriad Genetics, Inc.
Classification: Likely pathogenic for Hypophosphatasia. Last evaluated: 2026-06-17. Review status: criteria provided, single submitter. Criteria: Myriad Autosomal Dominant, Autosomal Recessive and X-Linked Classification Criteria (2023). Collection method: clinical testing. Allele origin: unknown.
Comment: NM_000478.4(ALPL):c.1010A>G(D337G) is a missense variant classified as likely pathogenic in the context of hypophosphatasia. Please note that D337Gis associated with autosomal dominant hypophosphatasia. The reproductive risk may be as high as 50%. D337G has been observed in cases with relevant disease (PMID: 25731960, 38374822). Relevant functional assessments of this variant are available in the literature (PMID: 32160374). D337G has been observed in referenced population frequency databases. In summary, NM_000478.4(ALPL):c.1010A>G(D337G) is a missense variant that has functional support for pathogenicity and has been observed more frequently in cases with the relevant disease than in healthy populations. Please note: this variant was assessed in the context of healthy population screening.

Natera, Inc.
Classification: Likely pathogenic for Hypophosphatasia. Last evaluated: 2025-12-24. Review status: criteria provided, single submitter. Criteria: Natera Variant Classification Schema (03/2026). Collection method: clinical testing. Allele origin: germline.
Comment: The c.1010A>G variant in ALPL is a missense variant predicted to cause substitution of aspartic acid to glycine at amino acid 337. This variant is rare in the general population with a frequency below the threshold expected for the associated phenotype(s). This variant has been observed in one or more individuals affected with the associated recessive disease, as either homozygous or compound heterozygous with a second variant (PMID: 27699270). Functional studies show that this variant may disrupt protein function (PMID: 32160374). Computational prediction algorithms indicate this variant is likely to affect gene or protein function. Given the available evidence, this variant is classified as Likely Pathogenic.

Genomenon, Inc
Classification: Pathogenic for Hypophosphatasia. Last evaluated: 2025-08-29. Review status: criteria provided, single submitter. Criteria: Genomenon Sequence Variant Interpretation Standards. Collection method: curation. Allele origin: germline. Affected: yes.
Comment: ALPL c.1010A>G is a missense variant that changes the amino acid at residue 337 from Aspartic acid to Glycine. This variant has been observed in at least one proband affected with hypophosphatasia (PMID:38374822;25731960;27699270). At least one functional study has demonstrated a substantial alteration in protein function relative to the wild-type (PMID:32160374). It is absent or not present at a significant frequency in gnomAD. In silico models agree that this variant is possibly or probably damaging. In conclusion, we classify ALPL p.Asp337Gly (c.1010A>G) as a pathogenic variant.

Labcorp Genetics (formerly Invitae), Labcorp
Classification: Pathogenic. Last evaluated: 2025-08-14. Review status: criteria provided, single submitter. Criteria: Invitae Variant Classification Sherloc (09022015). Collection method: clinical testing. Allele origin: germline.
Comment: This sequence change replaces aspartic acid, which is acidic and polar, with glycine, which is neutral and non-polar, at codon 337 of the ALPL protein (p.Asp337Gly). This variant is present in population databases (no rsID available, gnomAD 0.003%). This missense change has been observed in individual(s) with hypophosphatasia (PMID: 25731960; internal data). ClinVar contains an entry for this variant (Variation ID: 553154). Invitae Evidence Modeling of protein sequence and biophysical properties (such as structural, functional, and spatial information, amino acid conservation, physicochemical variation, residue mobility, and thermodynamic stability) indicates that this missense variant is expected to disrupt ALPL protein function with a positive predictive value of 95%. Experimental studies have shown that this missense change affects ALPL function (PMID: 32160374). For these reasons, this variant has been classified as Pathogenic.

Women's Health and Genetics/Laboratory Corporation of America, LabCorp
Classification: Likely pathogenic for Hypophosphatasia. Last evaluated: 2025-06-05. Review status: criteria provided, single submitter. Criteria: LabCorp Variant Classification Summary - May 2015. Collection method: clinical testing. Allele origin: germline.
Comment: Variant summary: ALPL c.1010A>G (p.Asp337Gly) results in a non-conservative amino acid change in the encoded protein sequence. Algorithms developed to predict the effect of missense changes on protein structure and function all suggest that this variant is likely to be disruptive. The variant allele was found at a frequency of 4e-06 in 251100 control chromosomes (gnomAD). c.1010A>G has been observed in individuals affected with Hypophosphatasia (e.g. Whyte_2015, Kim_2023, MacCarrick_2024, Labcorp (formerly Invitae) internal data). At least one publication reports experimental evidence evaluating an impact on protein function and demonstrated that the variant protein had a severely decreased activity (Del Angel_2020). The following publications have been ascertained in the context of this evaluation (PMID: 32160374, 34633109, 25731960, 37422472, 38702915, 38374822). ClinVar contains an entry for this variant (Variation ID: 553154). Based on the evidence outlined above, the variant was classified as likely pathogenic.

GeneDx
Classification: Likely pathogenic. Last evaluated: 2024-08-15. Review status: criteria provided, single submitter. Criteria: GeneDx Variant Classification Process June 2021. Collection method: clinical testing. Allele origin: germline. Affected: yes.
Comment: Not observed at significant frequency in large population cohorts (gnomAD); Published functional studies demonstrate a damaging effect through decreased enzymatic activity and suggest a dominant negative mechanism (PMID: 32160374); In silico analysis supports that this missense variant has a deleterious effect on protein structure/function; This variant is associated with the following publications: (PMID: 34633109, 25731960, 32160374)

Fulgent Genetics
Classification: Likely pathogenic for Adult hypophosphatasia; Infantile hypophosphatasia; Childhood hypophosphatasia. Last evaluated: 2024-05-11. Review status: criteria provided, single submitter. Criteria: ACMG Guidelines, 2015. Collection method: clinical testing. Allele origin: germline.

Baylor Genetics
Classification: Likely pathogenic for Adult hypophosphatasia. Last evaluated: 2023-08-04. Review status: criteria provided, single submitter. Criteria: ACMG Guidelines, 2015. Collection method: clinical testing. Allele origin: unknown.

ARUP Laboratories, Molecular Genetics and Genomics, ARUP Laboratories
Classification: Likely pathogenic. Last evaluated: 2023-05-24. Review status: criteria provided, single submitter. Criteria: ARUP Molecular Germline Variant Investigation Process 2024. Collection method: clinical testing. Allele origin: germline.
Comment: The ALPL c.1010A>G; p.Asp337Gly variant (rs1219494274) is reported in the literature in one individual with severe childhood hypophosphatasia (HPP) that also carried a second missense variant (Whyte 2015). This variant is also reported in ClinVar (Variation ID: 553154) and is only observed on one allele in the Genome Aggregation Database, indicating it is not a common polymorphism. Functional analyses of the variant protein show reduced enzyme activity (Del Angel 2020). Computational analyses predict that this variant is deleterious (REVEL: 0.964). Based on the available information, this variant is considered to be likely pathogenic. References: Whyte MP et al. Hypophosphatasia: validation and expansion of the clinical nosology for children from 25 years experience with 173 pediatric patients. Bone. 2015 Jun;75:229-39. PMID: 25731960. Del Angel G et al. Large-scale in vitro functional testing and novel variant scoring via protein modeling provide insights into alkaline phosphatase activity in hypophosphatasia. Hum Mutat. 2020 Jul;41(7):1250-1262. PMID: 32160374.

PreventionGenetics, part of Exact Sciences
Classification: Likely pathogenic for ALPL-related condition. Last evaluated: 2023-04-14. Review status: criteria provided, single submitter. Criteria: ACMG Guidelines, 2015. Collection method: clinical testing. Allele origin: germline.
Comment: The ALPL c.1010A>G variant is predicted to result in the amino acid substitution p.Asp337Gly. This variant in the heterozygous condition along with a second missense variant was reported in one patients with hypophosphatasia (Whyte et al. 2015. PubMed ID: 25731960). Functional studies suggest that p.Asp337Gly led to reduced enzyme activity (Table S1, Del Angel et al 2020. PubMed ID: 32160374). At PreventionGenetics this variant was detected in four patients undergoing ALPL sequencing, being heterozygous in three patients without a second variant, and in one patient along with a second heterozygous likely pathogenic ALPL variant. This variant is reported in 0.0029% of alleles in individuals of Latino descent in gnomAD. In summary, this variant is interpreted as likely pathogenic.

Counsyl
Classification: Uncertain significance for Infantile hypophosphatasia. Last evaluated: 2017-08-02. Review status: no assertion criteria provided. Collection method: clinical testing. Allele origin: unknown. Not counted in ClinVar's aggregate classification.

Literature cited by the submitters: PubMed 25731960 (cited by 5 submitters); PubMed 32160374 (cited by 5 submitters); PubMed 38374822 (cited by 3 submitters); PubMed 27699270 (cited by Natera, Inc. and Genomenon, Inc); PubMed 34633109 (cited by Women's Health and Genetics/Laboratory Corporation of America, LabCorp); PubMed 37422472 (cited by Women's Health and Genetics/Laboratory Corporation of America, LabCorp); PubMed 38702915 (cited by Women's Health and Genetics/Laboratory Corporation of America, LabCorp).